The following is an entry in ClinVar:

ClinVar aggregate classification (germline): Uncertain significance (1 of 4 stars; one submission).

Conditions:
Bartter disease type 1. Also called: HYPERPROSTAGLANDIN E SYNDROME 1; HYPOKALEMIC ALKALOSIS WITH HYPERCALCIURIA 1, ANTENATAL; Bartter syndrome, type 1, antenatal; Bartter Syndrome type 1. Identifiers: Orphanet 112, Orphanet 620217, MedGen C1866495, MONDO:0100344, OMIM 601678, MONDO:0011127.

Allele frequency attached by ClinVar (database versions not stated): ExAC 0.00001.
gnomAD v4.1: 3 of 1,613,902 alleles (0.00019%); highest among the groups gnomAD compares: East Asian, 0.0045%; no homozygotes.

Submission:

3billion
Classification: Uncertain significance for Bartter disease type 1. Last evaluated: 2023-02-23. Review status: criteria provided, single submitter. Criteria: ACMG Guidelines, 2015. Collection method: clinical testing. Allele origin: unknown. Affected: yes.
Comment: The variant is observed at an extremely low frequency in the gnomAD v2.1.1 dataset (total allele frequency: 0.001%). In silico tool predictions suggest damaging effect of the variant on gene or gene product (REVEL: 0.88; 3Cnet: 0.70). Same nucleotide change resulting in same amino acid change has been previously reported to be associated with SLC12A1 related disorder (PMID: 9585600). However, the evidence of pathogenicity is insufficient at this time. Therefore, this variant is classified as VUS according to the recommendation of ACMG/AMP guideline.

Literature cited by the submitters: PubMed 9585600.

NM_000338.3(SLC12A1):c.1307G>A (p.Cys436Tyr)

Gene: SLC12A1 (solute carrier family 12 member 1; plus strand). Cytogenetic location: 15q21.1.
Variant type: single nucleotide variant.
Coding change: c.1307G>A on transcript NM_000338.3 (MANE Select); coding-DNA position 1307, G replaced by A.
Protein change: p.Cys436Tyr; replaces cysteine 436 with tyrosine.
Molecular consequence: missense variant.
Genome position (GRCh38, 1-based): chr15:48,244,759, G>A. VCF-style: chr15-48244759-G-A. GRCh37 (hg19) VCF-style: chr15-48536956-G-A.
Other names: c.1307G>A, p.Cys436Tyr (NM_001184832.2, NM_001384136.1); short protein forms C436Y.
Identifiers: ClinVar variation 2444090 (VCV002444090.1), dbSNP rs750223162, ClinGen allele CA7547058.